The following is an entry in ClinVar:

NM_001267550.2(TTN):c.54947C>G (p.Thr18316Ser)

Genes: TTN (titin; minus strand), TTN-AS1 (TTN antisense RNA 1; plus strand). Cytogenetic location: 2q31.2.
Variant type: single nucleotide variant.
Coding change: c.54947C>G on transcript NM_001267550.2 (MANE Select); coding-DNA position 54947, C replaced by G.
Protein change: p.Thr18316Ser; replaces threonine 18316 with serine.
Molecular consequence: missense variant.
Genome position (GRCh38, 1-based): chr2:178,602,455, G>C on the plus strand (C>G on the coding strand, the complement: TTN is on the minus strand). VCF-style: chr2-178602455-G-C. GRCh37 (hg19) VCF-style: chr2-179467182-G-C.
Other names: p.Thr16675Ser; c.50024C>G, p.Thr16675Ser (NM_001256850.1); c.27752C>G, p.Thr9251Ser (NM_003319.4); c.47243C>G, p.Thr15748Ser (NM_133378.4); c.28127C>G, p.Thr9376Ser (NM_133432.3); c.28328C>G, p.Thr9443Ser (NM_133437.4); short protein forms T15748S, T16675S, T18316S, T9251S, T9443S, T9376S.
Identifiers: ClinVar variation 281838 (VCV000281838.33), dbSNP rs758527900, ClinGen allele CA1993552.

ClinVar aggregate classification (germline): Benign/Likely benign. Review status: criteria provided, multiple submitters, no conflicts (2 of 4 stars). 12 submissions from 9 submitters: Benign (5); Likely benign (7). Last evaluated 2026-05-01.

Conditions:
Cardiovascular phenotype. Identifiers: MedGen CN230736.
Autosomal recessive limb-girdle muscular dystrophy type 2J (LGMDR10). Also called: Limb-girdle muscular dystrophy, type 2J; MUSCULAR DYSTROPHY, LIMB-GIRDLE, AUTOSOMAL RECESSIVE 10. Identifiers: Orphanet 140922, MedGen C1837342, MONDO:0012127, OMIM 608807.
Dilated cardiomyopathy 1G (CMD1G). Identifiers: Orphanet 154, MedGen C1858763, MONDO:0011400, OMIM 604145.
Early-onset myopathy with fatal cardiomyopathy (CMYO5). Also called: Salih Myopathy; CONGENITAL MYOPATHY 5 WITH CARDIOMYOPATHY. Identifiers: Orphanet 289377, MedGen C2673677, MONDO:0012714, OMIM 611705. Disease mechanism: loss of function.
Tibial muscular dystrophy (TMD). Also called: Udd Distal Myopathy – Tibial Muscular Dystrophy; UDD MYOPATHY; Tibial muscular dystrophy, tardive. Identifiers: Orphanet 609, MedGen C1838244, MONDO:0010870, OMIM 600334.
Myopathy, myofibrillar, 9, with early respiratory failure (MFM9). Also called: EDSTROM MYOPATHY; MYOPATHY, PROXIMAL, WITH EARLY RESPIRATORY MUSCLE INVOLVEMENT; Hereditary myopathy with early respiratory failure; Myopathy, distal, with early respiratory failure, autosomal dominant. Identifiers: Orphanet 178464, Orphanet 34521, MedGen C1863599, MONDO:0011362, OMIM 603689.

Allele frequency attached by ClinVar (database versions not stated): gnomAD 0.00005 and 0.00006; TOPMed 0.00034; ExAC 0.00053; gnomAD exomes 0.00075.
gnomAD v4.1: 211 of 1,612,280 alleles (0.013%); highest among the groups gnomAD compares: Admixed American, 0.34%; no homozygotes.

Submissions (12):

CeGaT Center for Human Genetics Tuebingen
Classification: Likely benign. Last evaluated: 2026-05-01. Review status: criteria provided, single submitter. Criteria: CeGaT Center For Human Genetics Tuebingen Variant Classification Criteria Version 2. Collection method: clinical testing. Allele origin: germline. Affected: yes. Observed: 6 variant alleles.
Comment: TTN: BP4

Labcorp Genetics (formerly Invitae), Labcorp
Classification: Benign for Dilated cardiomyopathy 1G; Autosomal recessive limb-girdle muscular dystrophy type 2J. Last evaluated: 2026-02-01. Review status: criteria provided, single submitter. Criteria: Invitae Variant Classification Sherloc (09022015). Collection method: clinical testing. Allele origin: germline.

Mayo Clinic Laboratories, Mayo Clinic
Classification: Likely benign. Last evaluated: 2025-02-03. Review status: criteria provided, single submitter. Criteria: ACMG Guidelines, 2015. Collection method: clinical testing. Allele origin: germline. Observed: 1 variant allele.
Comment: BS1, BP4_moderate

Blueprint Genetics
Classification: Likely benign. Last evaluated: 2023-03-22. Review status: criteria provided, single submitter. Criteria: ACMG Guidelines, 2015. Collection method: clinical testing. Allele origin: germline.

Women's Health and Genetics/Laboratory Corporation of America, LabCorp
Classification: Likely benign. Last evaluated: 2021-11-15. Review status: criteria provided, single submitter. Criteria: LabCorp Variant Classification Summary - May 2015. Collection method: clinical testing. Allele origin: germline.

Genome-Nilou Lab
Classification: Benign for Autosomal recessive limb-girdle muscular dystrophy type 2J. Last evaluated: 2021-09-10. Review status: criteria provided, single submitter. Criteria: ACMG Guidelines, 2015. Collection method: clinical testing. Allele origin: germline. Affected: no.

Genome-Nilou Lab
Classification: Benign for Myopathy, myofibrillar, 9, with early respiratory failure. Last evaluated: 2021-09-10. Review status: criteria provided, single submitter. Criteria: ACMG Guidelines, 2015. Collection method: clinical testing. Allele origin: germline. Affected: no.

Genome-Nilou Lab
Classification: Benign for Early-onset myopathy with fatal cardiomyopathy. Last evaluated: 2021-09-10. Review status: criteria provided, single submitter. Criteria: ACMG Guidelines, 2015. Collection method: clinical testing. Allele origin: germline. Affected: no.

Genome-Nilou Lab
Classification: Benign for Tibial muscular dystrophy. Last evaluated: 2021-09-10. Review status: criteria provided, single submitter. Criteria: ACMG Guidelines, 2015. Collection method: clinical testing. Allele origin: germline. Affected: no.

GeneDx
Classification: Likely benign. Last evaluated: 2019-10-15. Review status: criteria provided, single submitter. Criteria: GeneDx Variant Classification Process June 2021. Collection method: clinical testing. Allele origin: germline. Affected: yes.

Ambry Genetics
Classification: Likely benign for Cardiovascular phenotype. Last evaluated: 2017-12-04. Review status: criteria provided, single submitter. Criteria: Ambry Variant Classification Scheme 2023. Collection method: clinical testing. Allele origin: germline.

Eurofins Ntd Llc (ga)
Classification: Likely benign. Last evaluated: 2015-09-29. Review status: criteria provided, single submitter. Criteria: EGL Classification Definitions 2015. Collection method: clinical testing. Allele origin: germline. Observed: 1 variant allele, 1 heterozygote.